The following is an entry in ClinVar:

NM_006949.4(STXBP2):c.1214G>C (p.Arg405Pro)

Gene: STXBP2 (syntaxin binding protein 2; plus strand). Cytogenetic location: 19p13.2.
Variant type: single nucleotide variant.
Coding change: c.1214G>C on transcript NM_006949.4 (MANE Select); coding-DNA position 1214, G replaced by C.
Protein change: p.Arg405Pro; replaces arginine 405 with proline.
Molecular consequence: missense variant. On other transcripts: non-coding transcript variant (1).
Genome position (GRCh38, 1-based): chr19:7,644,720, G>C. VCF-style: chr19-7644720-G-C. GRCh37 (hg19) VCF-style: chr19-7709606-G-C.
Other names: c.1205G>C, p.Arg402Pro (NM_001127396.3); c.1247G>C, p.Arg416Pro (NM_001272034.2); c.1118G>C, p.Arg373Pro (NM_001414484.1); short protein forms R373P, R405P, R402P, R416P.
Identifiers: ClinVar variation 1901792 (VCV001901792.5), dbSNP rs773360200, ClinGen allele CA403161203.
Genomic context (GRCh38, chr19:7,644,720, plus strand): 5'-CCATGAAGCTGATCGTTCCGGTGCTGCTGGACGCGGCGGTGCCCGCCTACGACAAGATCC[G>C]GGTCCTGCTGCTCTACATCCTCCTTCGGAATGGTGGGTGGGGGCTGCAGGGAGTTGGAAC-3'
Protein context (NP_008880.2, residues 395-415): DAAVPAYDKI[Arg405Pro]VLLLYILLRN

ClinVar aggregate classification (germline): Likely pathogenic (1 of 4 stars; one submission).

Conditions:
Familial hemophagocytic lymphohistiocytosis 5. Also called: STXBP2-Related Familial Hemophagocytic Lymphohistiocytosis (STXBP2-fHLH). Identifiers: Orphanet 540, MedGen C2751293, MONDO:0013135, OMIM 613101.

Submission:

Labcorp Genetics (formerly Invitae), Labcorp
Classification: Likely pathogenic for Familial hemophagocytic lymphohistiocytosis 5. Last evaluated: 2024-10-28. Review status: criteria provided, single submitter. Criteria: Invitae Variant Classification Sherloc (09022015). Collection method: clinical testing. Allele origin: germline.
Comment: This sequence change replaces arginine, which is basic and polar, with proline, which is neutral and non-polar, at codon 405 of the STXBP2 protein (p.Arg405Pro). This variant is not present in population databases (gnomAD no frequency). This variant has not been reported in the literature in individuals affected with STXBP2-related conditions. ClinVar contains an entry for this variant (Variation ID: 1901792). Invitae Evidence Modeling of protein sequence and biophysical properties (such as structural, functional, and spatial information, amino acid conservation, physicochemical variation, residue mobility, and thermodynamic stability) indicates that this missense variant is expected to disrupt STXBP2 protein function with a positive predictive value of 95%. Experimental studies have shown that this missense change affects STXBP2 function (PMID: 10788461). This variant disrupts the p.Arg405 amino acid residue in STXBP2. Other variant(s) that disrupt this residue have been determined to be pathogenic (PMID: 19804848, 20558610, 20798128, 23382066, 24194549, 28353193, 30697212). This suggests that this residue is clinically significant, and that variants that disrupt this residue are likely to be disease-causing. In summary, the currently available evidence indicates that the variant is pathogenic, but additional data are needed to prove that conclusively. Therefore, this variant has been classified as Likely Pathogenic.

Literature cited by the submitters: PubMed 10788461; PubMed 19804848; PubMed 20558610; PubMed 20798128; PubMed 23382066; PubMed 24194549; PubMed 28353193; PubMed 30697212.